The following is an entry in ClinVar:

NM_031885.5(BBS2):c.111G>A (p.Thr37=)

Gene: BBS2 (Bardet-Biedl syndrome 2; minus strand). Cytogenetic location: 16q13.
Variant type: single nucleotide variant.
Coding change: c.111G>A on transcript NM_031885.5 (MANE Select); coding-DNA position 111, G replaced by A.
Protein change: p.Thr37=; no amino-acid change (threonine 37 retained).
Molecular consequence: synonymous variant. On other transcripts: non-coding transcript variant (5).
Genome position (GRCh38, 1-based): chr16:56,519,752, C>T on the plus strand (G>A on the coding strand, the complement: BBS2 is on the minus strand). VCF-style: chr16-56519752-C-T. GRCh37 (hg19) VCF-style: chr16-56553664-C-T.
Other names: c.111G>A, p.Thr37= (NM_001377456.1).
Identifiers: ClinVar variation 319869 (VCV000319869.17), dbSNP rs191867233, ClinGen allele CA8066140.

ClinVar aggregate classification (germline): Conflicting classifications of pathogenicity. Review status: criteria provided, conflicting classifications (1 of 4 stars). 4 submissions from 4 submitters: Uncertain significance (1); Likely benign (2). 1 of the submissions does not count toward it. Last evaluated 2025-12-23.

Conditions:
BBS2-related disorder. Also called: BBS2-related condition; BBS2-related disorders. Identifiers: MedGen CN239228.
Bardet-Biedl syndrome (BBS). Identifiers: Orphanet 110, MedGen C0752166, MONDO:0015229.
Bardet-Biedl syndrome 2 (BBS2). Identifiers: Orphanet 110, MedGen C2936863, MONDO:0014432, OMIM 615981.

Allele frequency attached by ClinVar (database versions not stated): TOPMed 0.00003; gnomAD 0.00004 and 0.00005; gnomAD exomes 0.00008; ExAC 0.00010; 1000 Genomes Project 30x 0.00062; 1000 Genomes Project 0.00080.
gnomAD v4.1: 89 of 1,612,948 alleles (0.0055%); highest among the groups gnomAD compares: East Asian, 0.036%; no homozygotes.

Submissions (4):

Labcorp Genetics (formerly Invitae), Labcorp
Classification: Likely benign for Bardet-Biedl syndrome. Last evaluated: 2025-12-23. Review status: criteria provided, single submitter. Criteria: Invitae Variant Classification Sherloc (09022015). Collection method: clinical testing. Allele origin: germline.

Blueprint Genetics
Classification: Likely benign. Last evaluated: 2021-12-19. Review status: criteria provided, single submitter. Criteria: ACMG Guidelines, 2015. Collection method: clinical testing. Allele origin: germline.

Illumina Laboratory Services, Illumina
Classification: Uncertain significance for Bardet-Biedl syndrome 2. Last evaluated: 2018-01-13. Review status: criteria provided, single submitter. Criteria: ICSL Variant Classification Criteria 13 December 2019. Collection method: clinical testing. Allele origin: germline.

PreventionGenetics, part of Exact Sciences
Classification: Uncertain significance for BBS2-related condition. Last evaluated: 2024-07-17. Review status: no assertion criteria provided. Collection method: clinical testing. Allele origin: germline. Not counted in ClinVar's aggregate classification.
Comment: The BBS2 c.111G>A variant is not predicted to result in an amino acid change (p.=). This variant is predicted to alter splicing based on available splicing prediction programs (SpliceAI, Jaganathan et al. 2019. PubMed ID: 30661751). However, the use of computer prediction programs is not equivalent to functional evidence. To our knowledge, this variant has not been reported in the literature. This variant is reported in 0.065% of alleles in individuals of East Asian descent in gnomAD. At this time, the clinical significance of this variant is uncertain due to the absence of conclusive functional and genetic evidence.